The following is an entry in ClinVar:

NM_021870.3(FGG):c.1022G>A (p.Trp341Ter)

Gene: FGG (fibrinogen gamma chain; minus strand). Cytogenetic location: 4q32.1.
Variant type: single nucleotide variant.
Coding change: c.1022G>A on transcript NM_021870.3 (MANE Select); coding-DNA position 1022, G replaced by A.
Protein change: p.Trp341Ter; replaces tryptophan 341 with a stop codon.
Molecular consequence: nonsense.
Genome position (GRCh38, 1-based): chr4:154,606,812, C>T on the plus strand (G>A on the coding strand, the complement: FGG is on the minus strand). VCF-style: chr4-154606812-C-T. GRCh37 (hg19) VCF-style: chr4-155527964-C-T.
Other names: c.1022G>A, p.Trp341Ter (NM_000509.6); short protein forms W341*.
Identifiers: ClinVar variation 504885 (VCV000504885.4), dbSNP rs1553965519, ClinGen allele CA358535772.

ClinVar aggregate classification (germline): Pathogenic (1 of 4 stars; one submission).

Conditions:
Congenital afibrinogenemia. Identifiers: Orphanet 335, Orphanet 98880, MedGen C2584774, MONDO:0008737, OMIM 202400.

Allele frequency attached by ClinVar (database versions not stated): gnomAD exomes below 0.00001.
gnomAD v4.1: 3 of 1,613,966 alleles (0.00019%); highest among the groups gnomAD compares: Non-Finnish European, 0.00017%; no homozygotes.

Submission:

Laboratory for Molecular Medicine, Mass General Brigham Personalized Medicine
Classification: Pathogenic for Congenital afibrinogenemia. Last evaluated: 2016-04-27. Review status: criteria provided, single submitter. Criteria: LMM Criteria. Collection method: clinical testing. Allele origin: germline. Inheritance: Autosomal recessive inheritance. Observed: 1 variant allele.
Comment: The p.Trp341X variant in FGG has not been previously reported in individuals wit h afibrinogenemia/hypofibrinogenemia and is absent from large population studies . This nonsense variant leads to a premature termination codon at position 341 w hich is predicted to lead to a truncated or absent protein. Loss of function var iants in FGG have been shown to cause afibrinogenemia in the homozygous state an d hypofibrinogenemia (though not always symptomatic) in the heterozygous state. In summary, this variant meets our criteria to be classified as pathogenic for a fibrinogenemia in an autosomal recessive manner.